The following is an entry in ClinVar:

ClinVar aggregate classification (germline): Pathogenic (1 of 4 stars; one submission).

Conditions:
Landau-Kleffner syndrome (FESD). Also called: EPILEPSY, FOCAL, WITH SPEECH DISORDER AND WITH OR WITHOUT MENTAL RETARDATION; APHASIA, ACQUIRED, WITH EPILEPSY. Identifiers: Orphanet 1945, Orphanet 725, Orphanet 98818, MedGen C0282512, MONDO:0009509, OMIM 245570.

Submission:

Labcorp Genetics (formerly Invitae), Labcorp
Classification: Pathogenic for Landau-Kleffner syndrome. Last evaluated: 2020-08-08. Review status: criteria provided, single submitter. Criteria: Invitae Variant Classification Sherloc (09022015). Collection method: clinical testing. Allele origin: germline.
Comment: This sequence change creates a premature translational stop signal (p.Trp378*) in the GRIN2A gene. It is expected to result in an absent or disrupted protein product. This variant is not present in population databases (ExAC no frequency). This variant has not been reported in the literature in individuals with GRIN2A-related conditions. Algorithms developed to predict the effect of sequence changes on RNA splicing suggest that this variant may create or strengthen a splice site, but this prediction has not been confirmed by published transcriptional studies. Loss-of-function variants in GRIN2A are known to be pathogenic (PMID: 23933819, 23933820). For these reasons, this variant has been classified as Pathogenic.

Literature cited by the submitters: PubMed 23933819; PubMed 23933820.

NM_001134407.3(GRIN2A):c.1134G>A (p.Trp378Ter)

Gene: GRIN2A (glutamate ionotropic receptor NMDA type subunit 2A; minus strand). Cytogenetic location: 16p13.2.
Variant type: single nucleotide variant.
Coding change: c.1134G>A on transcript NM_001134407.3 (MANE Select); coding-DNA position 1134, G replaced by A.
Protein change: p.Trp378Ter; replaces tryptophan 378 with a stop codon.
Molecular consequence: nonsense.
Genome position (GRCh38, 1-based): chr16:9,849,950, C>T on the plus strand (G>A on the coding strand, the complement: GRIN2A is on the minus strand). VCF-style: chr16-9849950-C-T. GRCh37 (hg19) VCF-style: chr16-9943807-C-T.
Other names: c.1134G>A, p.Trp378Ter (NM_000833.5, NM_001134408.2); short protein forms W378*.
Identifiers: ClinVar variation 1075856 (VCV001075856.1), dbSNP rs1555496202, ClinGen allele CA394801343.